The following is an entry in ClinVar:

ClinVar aggregate classification (germline): Pathogenic/Likely pathogenic. Review status: criteria provided, multiple submitters, no conflicts (2 of 4 stars). 4 submissions from 3 submitters: Pathogenic (1); Likely pathogenic (3). Last evaluated 2023-04-11.

Conditions:
Hypokalemic periodic paralysis, type 1. Also called: Hypokalemic Periodic Paralysis Type 1 (AD); HypoPP. Identifiers: Orphanet 681, MedGen C3714580, MONDO:0042979, OMIM 170400.
Malignant hyperthermia, susceptibility to, 5 (MHS5). Also called: CACNA1S-Related Malignant Hyperthermia Susceptibility. Identifiers: Orphanet 423, MedGen C1866077, MONDO:0011163, OMIM 601887.

Allele frequency attached by ClinVar (database versions not stated): gnomAD exomes below 0.00001 and 0.00001; TOPMed below 0.00001; gnomAD 0.00001; ESP Exome Variant Server 0.00008.
gnomAD v4.1: 11 of 1,613,390 alleles (0.00068%); highest among the groups gnomAD compares: East Asian, 0.0022%; no homozygotes.

Submissions (4):

Genome-Nilou Lab
Classification: Likely pathogenic for Malignant hyperthermia, susceptibility to, 5. Last evaluated: 2023-04-11. Review status: criteria provided, single submitter. Criteria: ACMG Guidelines, 2015. Collection method: clinical testing. Allele origin: germline. Affected: no.

Genome-Nilou Lab
Classification: Likely pathogenic for Hypokalemic periodic paralysis, type 1. Last evaluated: 2023-04-11. Review status: criteria provided, single submitter. Criteria: ACMG Guidelines, 2015. Collection method: clinical testing. Allele origin: germline. Affected: no.

GeneDx
Classification: Likely pathogenic. Last evaluated: 2023-01-23. Review status: criteria provided, single submitter. Criteria: GeneDx Variant Classification Process June 2021. Collection method: clinical testing. Allele origin: germline. Affected: yes.
Comment: Nonsense variant predicted to result in protein truncation or nonsense mediated decay in a gene for which loss of function is a known mechanism of disease; Not observed at significant frequency in large population cohorts (gnomAD); Has not been previously reported as pathogenic or benign in association with neurodevelopmental disorders to our knowledge; This variant is associated with the following publications: (PMID: 31257224)

Labcorp Genetics (formerly Invitae), Labcorp
Classification: Pathogenic for Hypokalemic periodic paralysis, type 1; Malignant hyperthermia, susceptibility to, 5. Last evaluated: 2021-07-02. Review status: criteria provided, single submitter. Criteria: Invitae Variant Classification Sherloc (09022015). Collection method: clinical testing. Allele origin: germline.
Comment: ClinVar contains an entry for this variant (Variation ID: 422581). For these reasons, this variant has been classified as Pathogenic. This variant has not been reported in the literature in individuals affected with CACNA1S-related conditions. This sequence change creates a premature translational stop signal (p.Arg903*) in the CACNA1S gene. It is expected to result in an absent or disrupted protein product. Loss-of-function variants in CACNA1S are known to be pathogenic (PMID: 26247046, 28012042). This variant is not present in population databases (ExAC no frequency).

Literature cited by the submitters: PubMed 26247046 (cited by Labcorp Genetics (formerly Invitae), Labcorp); PubMed 28012042 (cited by Labcorp Genetics (formerly Invitae), Labcorp).

NM_000069.3(CACNA1S):c.2707C>T (p.Arg903Ter)

Gene: CACNA1S (calcium voltage-gated channel subunit alpha1 S; minus strand). Cytogenetic location: 1q32.1.
Variant type: single nucleotide variant.
Coding change: c.2707C>T on transcript NM_000069.3 (MANE Select); coding-DNA position 2707, C replaced by T.
Protein change: p.Arg903Ter; replaces arginine 903 with a stop codon.
Molecular consequence: nonsense.
Genome position (GRCh38, 1-based): chr1:201,066,267, G>A on the plus strand (C>T on the coding strand, the complement: CACNA1S is on the minus strand). VCF-style: chr1-201066267-G-A. GRCh37 (hg19) VCF-style: chr1-201035395-G-A.
Other names: short protein forms R903*.
Identifiers: ClinVar variation 422581 (VCV000422581.18), dbSNP rs367983954, ClinGen allele CA16617039.